The following is an entry in ClinVar:

ClinVar aggregate classification (germline): Pathogenic (1 of 4 stars; one submission).

Conditions:
Ehlers-Danlos syndrome, dermatosparaxis type. Also called: EDS VIIC; Dermatosparaxis; Ehlers-Danlos syndrome, type VII, autosomal recessive. Identifiers: Orphanet 1901, MedGen C2700425, MONDO:0009161, OMIM 225410.

Submission:

Myriad Genetics, Inc.
Classification: Pathogenic for Ehlers-Danlos syndrome, dermatosparaxis type. Last evaluated: 2023-09-27. Review status: criteria provided, single submitter. Criteria: Myriad Autosomal Dominant, Autosomal Recessive and X-Linked Classification Criteria (2023). Collection method: clinical testing. Allele origin: unknown.
Comment: NM_014244.4(ADAMTS2):c.1432dupC(L478Pfs*18) is expected to be pathogenic in the context of Ehlers-Danlos syndrome, ADAMTS2-related. This variant is predicted to lead to an abnormal or absent protein product due to the creation of a premature termination codon in ADAMTS2, a gene where loss-of-function variants are known to be pathogenic. Please note: this variant was assessed in the context of healthy population screening.

NM_014244.5(ADAMTS2):c.1432dup (p.Leu478fs)

Gene: ADAMTS2 (ADAM metallopeptidase with thrombospondin type 1 motif 2; minus strand). Cytogenetic location: 5q35.3.
Variant type: Duplication.
Coding change: c.1432dup on transcript NM_014244.5 (MANE Select); coding-DNA position 1432, one base duplicated (C; older notation c.1432dupC).
Protein change: p.Leu478fs; shifts the reading frame from leucine 478.
Molecular consequence: frameshift variant.
Genome position (GRCh38, 1-based): chr5:179,153,574, G duplicated on the plus strand (C on the coding strand, the reverse complement: ADAMTS2 is on the minus strand). VCF-style (leftmost placement, unchanged base first): chr5-179153573-A-AG. GRCh37 (hg19) VCF-style: chr5-178580574-A-AG.
Other names: c.1432dup, p.Leu478fs (NM_021599.4); short protein forms L478fs.
Identifiers: ClinVar variation 5011844 (VCV005011844.1).
Genomic context (GRCh38, chr5:179,153,573, plus strand): 5'-AGGCCGAAGTCAAAGCGGCATTGCTCGTTCATGGAGTAGTGCAGTCCCGGGAGCTGGGGC[A>AG]GCGCCGGCCAGTCGTGGGCGAAGGGGTCATCCAGCAGGCAGTCATAGGAGCTGTGGGGGA-3'